The following is an entry in ClinVar:

NM_000478.6(ALPL):c.1512C>A (p.Gly504=)

Gene: ALPL (alkaline phosphatase, biomineralization associated; plus strand). Cytogenetic location: 1p36.12.
Variant type: single nucleotide variant.
Coding change: c.1512C>A on transcript NM_000478.6 (MANE Select); coding-DNA position 1512, C replaced by A.
Protein change: p.Gly504=; no amino-acid change (glycine 504 retained).
Molecular consequence: synonymous variant.
Genome position (GRCh38, 1-based): chr1:21,577,585, C>A. VCF-style: chr1-21577585-C-A. GRCh37 (hg19) VCF-style: chr1-21904078-C-A.
Other names: c.1347C>A, p.Gly449= (NM_001127501.4); c.1281C>A, p.Gly427= (NM_001177520.3); c.1512C>A, p.Gly504= (NM_001369803.2, NM_001369804.2, NM_001369805.2).
Identifiers: ClinVar variation 2808589 (VCV002808589.10), dbSNP rs1347933667, ClinGen allele CA416677730.

ClinVar aggregate classification (germline): Likely benign. Review status: criteria provided, multiple submitters, no conflicts (2 of 4 stars). 2 submissions from 2 submitters: Likely benign (2). Last evaluated 2025-03-01.

gnomAD v4.1: 1 of 1,602,366 alleles (0.000062%); highest among the groups gnomAD compares: Non-Finnish European, 0.000085%; no homozygotes.

Submissions (2):

CeGaT Center for Human Genetics Tuebingen
Classification: Likely benign. Last evaluated: 2025-03-01. Review status: criteria provided, single submitter. Criteria: CeGaT Center For Human Genetics Tuebingen Variant Classification Criteria Version 2. Collection method: clinical testing. Allele origin: germline. Affected: yes. Observed: 1 variant allele.
Comment: ALPL: BP4, BP7

Labcorp Genetics (formerly Invitae), Labcorp
Classification: Likely benign. Last evaluated: 2022-10-15. Review status: criteria provided, single submitter. Criteria: Invitae Variant Classification Sherloc (09022015). Collection method: clinical testing. Allele origin: germline.